The following is an entry in ClinVar:

ClinVar aggregate classification (germline): Conflicting classifications of pathogenicity. Review status: criteria provided, conflicting classifications (1 of 4 stars). 3 submissions from 3 submitters: Uncertain significance (1); Likely benign (2). Last evaluated 2025-08-01.

Conditions:
PDE6C-related disorder. Also called: PDE6C-related condition.

gnomAD v4.1: 162 of 1,607,812 alleles (0.01%); highest among the groups gnomAD compares: South Asian, 0.048%; no homozygotes.

Submissions (3):

CeGaT Center for Human Genetics Tuebingen
Classification: Uncertain significance. Last evaluated: 2025-08-01. Review status: criteria provided, single submitter. Criteria: CeGaT Center For Human Genetics Tuebingen Variant Classification Criteria Version 2. Collection method: clinical testing. Allele origin: germline. Affected: yes. Observed: 1 variant allele.
Comment: PDE6C: PM2, BP4

PreventionGenetics, part of Exact Sciences
Classification: Likely benign for PDE6C-related condition. Last evaluated: 2025-03-14. Review status: criteria provided, single submitter. Criteria: ACMG Guidelines, 2015. Collection method: clinical testing. Allele origin: germline.
Comment: This variant is classified as likely benign based on ACMG/AMP sequence variant interpretation guidelines (Richards et al. 2015 PMID: 25741868, with internal and published modifications).

Blueprint Genetics
Classification: Likely benign. Last evaluated: 2024-09-23. Review status: criteria provided, single submitter. Criteria: ACMG Guidelines, 2015. Collection method: clinical testing. Allele origin: germline.

NM_006204.4(PDE6C):c.1270-8C>T

Gene: PDE6C (phosphodiesterase 6C; plus strand). Cytogenetic location: 10q23.33.
Variant type: single nucleotide variant.
Coding change: c.1270-8C>T on transcript NM_006204.4 (MANE Select); 8 bases into the intron before coding-DNA position 1270, C replaced by T.
Molecular consequence: intron variant.
Genome position (GRCh38, 1-based): chr10:93,635,489, C>T. VCF-style: chr10-93635489-C-T. GRCh37 (hg19) VCF-style: chr10-95395246-C-T.
Other names: c.1270-8C>T (NM_006204.3).
Identifiers: ClinVar variation 4083579 (VCV004083579.10).